The following is an entry in ClinVar:

ClinVar aggregate classification (germline): Likely benign (1 of 4 stars; one submission).

Submission:

GeneDx
Classification: Likely benign. Last evaluated: 2017-11-07. Review status: criteria provided, single submitter. Criteria: GeneDx Variant Classification (06012015). Collection method: clinical testing. Allele origin: germline. Affected: yes.
Comment: This variant is considered likely benign or benign based on one or more of the following criteria: it is a conservative change, it occurs at a poorly conserved position in the protein, it is predicted to be benign by multiple in silico algorithms, and/or has population frequency not consistent with disease.

NM_003098.3(SNTA1):c.910-10T>A

Gene: SNTA1 (syntrophin alpha 1; minus strand). Cytogenetic location: 20q11.21.
Variant type: single nucleotide variant.
Coding change: c.910-10T>A on transcript NM_003098.3 (MANE Select); 10 bases into the intron before coding-DNA position 910, T replaced by A.
Molecular consequence: intron variant.
Genome position (GRCh38, 1-based): chr20:33,412,436, A>T on the plus strand (T>A on the coding strand, the complement: SNTA1 is on the minus strand). VCF-style: chr20-33412436-A-T. GRCh37 (hg19) VCF-style: chr20-32000242-A-T.
Identifiers: ClinVar variation 513122 (VCV000513122.1), dbSNP rs1555817114, ClinGen allele CA658799352.
Genomic context (GRCh38, chr20:33,412,436, plus strand): 5'-TTCCTTTTCAGTTAGCAGGGCCAGGGTGGGGGCTGTGCCCCCACTGGGCAGCTGCAGAGA[A>T]CAAAACAGCAGTGAGGATGGGTGGGGGAAGAGAGGGCAGAGGGCCAGGGCAGGGTGAGGT-3'